The following is an entry in ClinVar:

ClinVar aggregate classification (germline): Pathogenic/Likely pathogenic. Review status: criteria provided, multiple submitters, no conflicts (2 of 4 stars). 4 submissions from 4 submitters: Pathogenic (2); Likely pathogenic (2). Last evaluated 2026-10-08.

Conditions:
TSPEAR-related disorder. Also called: TSPEAR-related condition.

Allele frequency attached by ClinVar (database versions not stated): ExAC 0.00006; gnomAD 0.00008; TOPMed 0.00008; gnomAD exomes 0.00018.
gnomAD v4.1: 268 of 1,612,072 alleles (0.017%); highest among the groups gnomAD compares: Non-Finnish European, 0.022%; no homozygotes.

Submissions (4):

GeneDx
Classification: Pathogenic. Last evaluated: 2026-10-08. Review status: criteria provided, single submitter. Criteria: GeneDx Variant Classification Process June 2021. Collection method: clinical testing. Allele origin: germline.
Comment: Canonical splice site variant predicted to result in a null allele in a gene for which loss-of-function is a known mechanism of disease; Has not been previously published as pathogenic or benign to our knowledge

PreventionGenetics, part of Exact Sciences
Classification: Likely pathogenic for TSPEAR-related condition. Last evaluated: 2026-02-17. Review status: criteria provided, single submitter. Criteria: ACMG Guidelines, 2015. Collection method: clinical testing. Allele origin: germline.
Comment: The TSPEAR c.1336+2T>A variant is predicted to disrupt the GT donor site and interfere with normal splicing. To our knowledge, this variant has not been reported in the literature. This variant is reported in 0.0080% of alleles in individuals of African descent in gnomAD. Variants that disrupt the consensus splice donor site in TSPEAR are expected to be pathogenic. This variant is interpreted as likely pathogenic.

Labcorp Genetics (formerly Invitae), Labcorp
Classification: Pathogenic. Last evaluated: 2025-03-05. Review status: criteria provided, single submitter. Criteria: Invitae Variant Classification Sherloc (09022015). Collection method: clinical testing. Allele origin: germline.
Comment: This sequence change affects a donor splice site in intron 8 of the TSPEAR gene. It is expected to disrupt RNA splicing. Variants that disrupt the donor or acceptor splice site typically lead to a loss of protein function (PMID: 16199547), and loss-of-function variants in TSPEAR are known to be pathogenic (PMID: 34042254). This variant is present in population databases (rs141736535, gnomAD 0.008%). Disruption of this splice site has been observed in individual(s) with clinical features of ectodermal dysplasia (internal data). In at least one individual the data is consistent with being in trans (on the opposite chromosome) from a pathogenic variant. ClinVar contains an entry for this variant (Variation ID: 2419489). Algorithms developed to predict the effect of sequence changes on RNA splicing suggest that this variant may disrupt the consensus splice site. For these reasons, this variant has been classified as Pathogenic.

Blueprint Genetics
Classification: Likely pathogenic for TSPEAR-related disorders. Last evaluated: 2022-09-01. Review status: criteria provided, single submitter. Criteria: ACMG Guidelines, 2015. Collection method: clinical testing. Allele origin: germline. Affected: yes. Observed: 5 variant alleles.

Literature cited by the submitters: PubMed 16199547 (cited by Labcorp Genetics (formerly Invitae), Labcorp); PubMed 34042254 (cited by Labcorp Genetics (formerly Invitae), Labcorp).

NM_144991.3(TSPEAR):c.1336+2T>A

Gene: TSPEAR (thrombospondin type laminin G domain and EAR repeats; minus strand). Cytogenetic location: 21q22.3.
Variant type: single nucleotide variant.
Coding change: c.1336+2T>A on transcript NM_144991.3 (MANE Select); the canonical splice donor site of the intron after coding-DNA position 1336, T replaced by A.
Molecular consequence: splice donor variant.
Genome position (GRCh38, 1-based): chr21:44,525,651, A>T on the plus strand (T>A on the coding strand, the complement: TSPEAR is on the minus strand). VCF-style: chr21-44525651-A-T. GRCh37 (hg19) VCF-style: chr21-45945534-A-T.
Other names: c.1132+2T>A (NM_001272037.2); c.1336+2T>A (NM_144991.2).
Identifiers: ClinVar variation 2419489 (VCV002419489.11), dbSNP rs141736535, ClinGen allele CA10056636.
Genomic context (GRCh38, chr21:44,525,651, plus strand): 5'-TGCAAGTCTCGCTCTGCCCCTGGAATGGTTGCCTCCCGGTGTGAAGGCCACTCCTGCCCT[A>T]CCTTCCCGGTGGTTGGCCACCGCCAGGAAGTGCTCCCCATCCACCTCGAAGGCCTCCCAG-3'